The following is an entry in ClinVar:

NM_005751.5(AKAP9):c.8483T>A (p.Ile2828Asn)

Gene: AKAP9 (A-kinase anchoring protein 9; plus strand). Cytogenetic location: 7q21.2.
Variant type: single nucleotide variant.
Coding change: c.8483T>A on transcript NM_005751.5 (MANE Select); coding-DNA position 8483, T replaced by A.
Protein change: p.Ile2828Asn; replaces isoleucine 2828 with asparagine.
Molecular consequence: missense variant.
Genome position (GRCh38, 1-based): chr7:92,083,492, T>A. VCF-style: chr7-92083492-T-A. GRCh37 (hg19) VCF-style: chr7-91712806-T-A.
Other names: c.3128T>A, p.Ile1043Asn (NM_001379277.1); c.8459T>A, p.Ile2820Asn (NM_147185.3); short protein forms I2820N, I2828N, I1043N.
Identifiers: ClinVar variation 4729730 (VCV004729730.1).

ClinVar aggregate classification (germline): Uncertain significance (1 of 4 stars; one submission).

Conditions:
Long QT syndrome (LQTS). Identifiers: MedGen C0023976, MeSH D008133, MONDO:0002442. Disease mechanism: loss of function. Inheritance: Various modes of inheritance.

Submission:

Labcorp Genetics (formerly Invitae), Labcorp
Classification: Uncertain significance for Long QT syndrome. Last evaluated: 2025-10-23. Review status: criteria provided, single submitter. Criteria: Invitae Variant Classification Sherloc (09022015). Collection method: clinical testing. Allele origin: germline.
Comment: This sequence change replaces isoleucine, which is neutral and non-polar, with asparagine, which is neutral and polar, at codon 2828 of the AKAP9 protein (p.Ile2828Asn). This variant is not present in population databases (gnomAD no frequency). This variant has not been reported in the literature in individuals affected with AKAP9-related conditions. An algorithm developed to predict the effect of missense changes on protein structure and function (PolyPhen-2) suggests that this variant is likely to be disruptive. In summary, the available evidence is currently insufficient to determine the role of this variant in disease. Therefore, it has been classified as a Variant of Uncertain Significance.